The following is an entry in ClinVar:

NM_138694.4(PKHD1):c.150T>G (p.Leu50=)

Gene: PKHD1 (PKHD1 ciliary IPT domain containing fibrocystin/polyductin; minus strand). Cytogenetic location: 6p12.2.
Variant type: single nucleotide variant.
Coding change: c.150T>G on transcript NM_138694.4 (MANE Select); coding-DNA position 150, T replaced by G.
Protein change: p.Leu50=; no amino-acid change (leucine 50 retained).
Molecular consequence: synonymous variant.
Genome position (GRCh38, 1-based): chr6:52,082,523, A>C on the plus strand (T>G on the coding strand, the complement: PKHD1 is on the minus strand). VCF-style: chr6-52082523-A-C. GRCh37 (hg19) VCF-style: chr6-51947321-A-C.
Other names: c.150T>G, p.Leu50= (NM_170724.3).
Identifiers: ClinVar variation 357459 (VCV000357459.19), dbSNP rs529214120, ClinGen allele CA3854012.

ClinVar aggregate classification (germline): Conflicting classifications of pathogenicity. Review status: criteria provided, conflicting classifications (1 of 4 stars). 4 submissions from 4 submitters: Uncertain significance (1); Likely benign (1). 2 of the submissions do not count toward it. Last evaluated 2026-01-04.

Conditions:
PKHD1-related disorder. Also called: PKHD1-related condition.
Autosomal recessive polycystic kidney disease (ARPKD). Also called: AR polycystic kidney disease. Identifiers: Orphanet 731, Orphanet 8378, MedGen C0085548, MeSH D017044, MONDO:0009889.

Allele frequency attached by ClinVar (database versions not stated): gnomAD exomes 0.00002 and 0.00009; TOPMed 0.00002; gnomAD 0.00004; ExAC 0.00005; 1000 Genomes Project 30x 0.00016; 1000 Genomes Project 0.00020.
gnomAD v4.1: 37 of 1,614,102 alleles (0.0023%); highest among the groups gnomAD compares: East Asian, 0.08%; no homozygotes.

Submissions (4):

Labcorp Genetics (formerly Invitae), Labcorp
Classification: Likely benign for Autosomal recessive polycystic kidney disease. Last evaluated: 2026-01-04. Review status: criteria provided, single submitter. Criteria: Invitae Variant Classification Sherloc (09022015). Collection method: clinical testing. Allele origin: germline.

Illumina Laboratory Services, Illumina
Classification: Uncertain significance for Polycystic kidney disease 4. Last evaluated: 2018-01-13. Review status: criteria provided, single submitter. Criteria: ICSL Variant Classification Criteria 13 December 2019. Collection method: clinical testing. Allele origin: germline.

PreventionGenetics, part of Exact Sciences
Classification: Likely benign for PKHD1-related condition. Last evaluated: 2021-11-22. Review status: no assertion criteria provided. Collection method: clinical testing. Allele origin: germline. Not counted in ClinVar's aggregate classification.
Comment: This variant is classified as likely benign based on ACMG/AMP sequence variant interpretation guidelines (Richards et al. 2015 PMID: 25741868, with internal and published modifications).

Natera, Inc.
Classification: Uncertain significance for Autosomal recessive polycystic kidney disease. Last evaluated: 2018-10-23. Review status: no assertion criteria provided. Collection method: clinical testing. Allele origin: germline. Not counted in ClinVar's aggregate classification.